The following is an entry in ClinVar:

ClinVar aggregate classification (germline): Uncertain significance (1 of 4 stars; one submission).

Allele frequency attached by ClinVar (database versions not stated): gnomAD exomes below 0.00001; ExAC 0.00001.
gnomAD v4.1: 2 of 1,611,606 alleles (0.00012%); highest among the groups gnomAD compares: South Asian, 0.0022%; no homozygotes.

Submission:

GeneDx
Classification: Uncertain significance. Last evaluated: 2022-12-28. Review status: criteria provided, single submitter. Criteria: GeneDx Variant Classification Process June 2021. Collection method: clinical testing. Allele origin: germline. Affected: yes.
Comment: In silico analysis supports that this missense variant has a deleterious effect on protein structure/function; Has not been previously published as pathogenic or benign to our knowledge

NM_001393504.1(MAST3):c.1931C>T (p.Thr644Ile)

Gene: MAST3 (microtubule associated serine/threonine kinase 3; plus strand). Cytogenetic location: 19p13.11.
Variant type: single nucleotide variant.
Coding change: c.1931C>T on transcript NM_001393504.1 (MANE Select); coding-DNA position 1931, C replaced by T.
Protein change: p.Thr644Ile; replaces threonine 644 with isoleucine.
Molecular consequence: missense variant.
Genome position (GRCh38, 1-based): chr19:18,135,800, C>T. VCF-style: chr19-18135800-C-T. GRCh37 (hg19) VCF-style: chr19-18246610-C-T.
Other names: c.1955C>T, p.Thr652Ile (NM_001393501.1); c.1934C>T, p.Thr645Ile (NM_001393502.1); c.1931C>T, p.Thr644Ile (NM_001393503.1); c.1928C>T, p.Thr643Ile (NM_001393505.1); c.1883C>T, p.Thr628Ile (NM_001393506.1, NM_001393513.1); c.1910C>T, p.Thr637Ile (NM_001393507.1); c.1865C>T, p.Thr622Ile (NM_001393508.1, NM_001393516.1); c.1862C>T, p.Thr621Ile (NM_001393509.1, NM_001393510.1, NM_001393512.1 and 2 more transcripts); and 4 more; short protein forms T606I, T614I, T615I, T620I, T621I, T622I, T628I, T637I.
Identifiers: ClinVar variation 2507141 (VCV002507141.1), dbSNP rs767928225, ClinGen allele CA9306026.